The following is an entry in ClinVar:

ClinVar aggregate classification (germline): Benign/Likely benign. Review status: criteria provided, multiple submitters, no conflicts (2 of 4 stars). 8 submissions from 8 submitters: Benign (3); Likely benign (3). 2 of the submissions do not count toward it. Last evaluated 2026-09-01.

Conditions:
PGM1-congenital disorder of glycosylation. Also called: CDG It; Congenital disorder of glycosylation type 1t; PHOSPHOGLUCOMUTASE 1 DEFICIENCY; PGM1 DEFICIENCY; GLYCOGEN STORAGE DISEASE XIV; GSD XIV. Identifiers: Orphanet 319646, MedGen C2752015, MONDO:0013968, OMIM 614921.

Allele frequency attached by ClinVar (database versions not stated): 1000 Genomes Project 30x 0.00312; 1000 Genomes Project 0.00359; gnomAD 0.00968 and 0.01056; ESP Exome Variant Server 0.01012; TOPMed 0.01071.
gnomAD v4.1: 20,085 of 1,602,052 alleles (1.3%); highest among the groups gnomAD compares: Non-Finnish European, 1.5%; 156 homozygotes.

Submissions (17):

CeGaT Center for Human Genetics Tuebingen
Classification: Benign. Last evaluated: 2026-09-01. Review status: criteria provided, single submitter. Criteria: CeGaT Center For Human Genetics Tuebingen Variant Classification Criteria Version 2. Collection method: clinical testing. Allele origin: germline. Affected: yes. Observed: 48 variant alleles.
Comment: PGM1: BS1, BS2

ARUP Laboratories, Molecular Genetics and Genomics, ARUP Laboratories
Classification: Benign for PGM1-congenital disorder of glycosylation. Last evaluated: 2025-02-28. Review status: criteria provided, single submitter. Criteria: ARUP Molecular Germline Variant Investigation Process 2024. Collection method: clinical testing. Allele origin: germline.

Labcorp Genetics (formerly Invitae), Labcorp
Classification: Benign for PGM1-congenital disorder of glycosylation. Last evaluated: 2025-01-06. Review status: criteria provided, single submitter. Criteria: Invitae Variant Classification Sherloc (09022015). Collection method: clinical testing. Allele origin: germline.

GeneDx
Classification: Likely benign. Last evaluated: 2018-09-26. Review status: criteria provided, single submitter. Criteria: GeneDx Variant Classification Process June 2021. Collection method: clinical testing. Allele origin: germline. Affected: yes.
Comment: This variant is associated with the following publications: (PMID: 32552793, 28820871, 27124789)

Center for Pediatric Genomic Medicine, Children's Mercy Hospital and Clinics
Classification: Likely benign. Last evaluated: 2017-09-01. Review status: criteria provided, single submitter. Criteria: ACMG Guidelines, 2015. Collection method: clinical testing. Allele origin: germline.

Breakthrough Genomics
Classification: Likely benign. Review status: criteria provided, single submitter. Criteria: ACMG Guidelines, 2015. Collection method: not provided. Allele origin: germline. Inheritance: Autosomal recessive inheritance. Affected: yes.

Dr. Peter K. Rogan Lab, Western University
No classification provided (evidence only). Condition: Acute myeloid leukemia. Review status: no classification provided. Collection method: in vitro. Allele origin: not applicable. Functional consequence: retained intron. Not counted in ClinVar's aggregate classification.

Dr. Peter K. Rogan Lab, Western University
No classification provided (evidence only). Condition: Acute myeloid leukemia. Review status: no classification provided. Collection method: in vitro. Allele origin: not applicable. Functional consequence: retained intron. Not counted in ClinVar's aggregate classification.

Dr. Peter K. Rogan Lab, Western University
No classification provided (evidence only). Condition: Acute myeloid leukemia. Review status: no classification provided. Collection method: in vitro. Allele origin: not applicable. Functional consequence: retained intron. Not counted in ClinVar's aggregate classification.

Dr. Peter K. Rogan Lab, Western University
No classification provided (evidence only). Condition: Cervical cancer. Review status: no classification provided. Collection method: in vitro. Allele origin: not applicable. Functional consequence: retained intron. Not counted in ClinVar's aggregate classification.

Dr. Peter K. Rogan Lab, Western University
No classification provided (evidence only). Condition: Cervical cancer. Review status: no classification provided. Collection method: in vitro. Allele origin: not applicable. Functional consequence: retained intron. Not counted in ClinVar's aggregate classification.

Dr. Peter K. Rogan Lab, Western University
No classification provided (evidence only). Condition: Sarcoma. Review status: no classification provided. Collection method: in vitro. Allele origin: not applicable. Functional consequence: retained intron. Not counted in ClinVar's aggregate classification.

Dr. Peter K. Rogan Lab, Western University
No classification provided (evidence only). Condition: Thymoma. Review status: no classification provided. Collection method: in vitro. Allele origin: not applicable. Functional consequence: retained intron. Not counted in ClinVar's aggregate classification.

Dr. Peter K. Rogan Lab, Western University
No classification provided (evidence only). Condition: Gastric cancer. Review status: no classification provided. Collection method: in vitro. Allele origin: not applicable. Functional consequence: retained intron. Not counted in ClinVar's aggregate classification.

Dr. Peter K. Rogan Lab, Western University
No classification provided (evidence only). Condition: Ovarian cancer. Review status: no classification provided. Collection method: in vitro. Allele origin: not applicable. Functional consequence: retained intron. Not counted in ClinVar's aggregate classification.

Genome Diagnostics Laboratory, University Medical Center Utrecht
Classification: Likely benign. Review status: no assertion criteria provided. Collection method: clinical testing. Allele origin: germline. Affected: yes. Study: VKGL Data-share Consensus. Not counted in ClinVar's aggregate classification.

Laboratory of Diagnostic Genome Analysis, Leiden University Medical Center (LUMC)
Classification: Likely benign. Review status: no assertion criteria provided. Collection method: clinical testing. Allele origin: germline. Affected: yes. Study: VKGL Data-share Consensus. Not counted in ClinVar's aggregate classification.

NM_002633.3(PGM1):c.247-5664G>A

Gene: PGM1 (phosphoglucomutase 1; plus strand). Cytogenetic location: 1p31.3.
Variant type: single nucleotide variant.
Coding change: c.247-5664G>A on transcript NM_002633.3 (MANE Select); 5664 bases into the intron before coding-DNA position 247, G replaced by A.
Molecular consequence: intron variant. On other transcripts: splice donor variant (1).
Genome position (GRCh38, 1-based): chr1:63,623,761, G>A. VCF-style: chr1-63623761-G-A. GRCh37 (hg19) VCF-style: chr1-64089432-G-A.
Other names: c.-345-5664G>A (NM_001172819.2); c.300+1G>A (NM_001172818.1).
Identifiers: ClinVar variation 445924 (VCV000445924.45), dbSNP rs77043134, ClinGen allele CA889476.